The following is an entry in ClinVar:

NM_001276345.2(TNNT2):c.259C>A (p.Pro87Thr)

Gene: TNNT2 (troponin T2, cardiac type; minus strand). Cytogenetic location: 1q32.1.
Variant type: single nucleotide variant.
Coding change: c.259C>A on transcript NM_001276345.2 (MANE Select); coding-DNA position 259, C replaced by A.
Protein change: p.Pro87Thr; replaces proline 87 with threonine.
Molecular consequence: missense variant.
Genome position (GRCh38, 1-based): chr1:201,365,645, G>T on the plus strand (C>A on the coding strand, the complement: TNNT2 is on the minus strand). VCF-style: chr1-201365645-G-T. GRCh37 (hg19) VCF-style: chr1-201334773-G-T.
Other names: p.P77T:CCC>ACC; c.259C>A, p.Pro87Thr (NM_000364.4); c.229C>A, p.Pro77Thr (NM_001001430.3, NM_001001431.3, NM_001276347.2); c.214C>A, p.Pro72Thr (NM_001001432.3); c.256C>A, p.Pro86Thr (NM_001276346.2); short protein forms P77T, P87T, P72T, P86T.
Identifiers: ClinVar variation 181610 (VCV000181610.6), dbSNP rs730881096, ClinGen allele CA004147.

ClinVar aggregate classification (germline): Conflicting classifications of pathogenicity. Review status: criteria provided, conflicting classifications (1 of 4 stars). 2 submissions from 2 submitters: Likely pathogenic (1); Uncertain significance (1). Last evaluated 2021-12-18.

Conditions:
Hypertrophic cardiomyopathy 2. Also called: TNNT2-Related Familial Hypertrophic Cardiomyopathy. Identifiers: MedGen C1861864, MONDO:0007266, OMIM 115195.
Dilated cardiomyopathy 1D. Identifiers: Orphanet 154, Orphanet 54260, MedGen C1832243, MONDO:0011095, OMIM 601494.
Cardiomyopathy, familial restrictive, 3. Identifiers: Orphanet 75249, MedGen C2676271, MONDO:0012900, OMIM 612422.

Submissions (2):

Labcorp Genetics (formerly Invitae), Labcorp
Classification: Uncertain significance for Cardiomyopathy, familial restrictive, 3; Hypertrophic cardiomyopathy 2; Dilated cardiomyopathy 1D. Last evaluated: 2021-12-18. Review status: criteria provided, single submitter. Criteria: Invitae Variant Classification Sherloc (09022015). Collection method: clinical testing. Allele origin: germline.
Comment: This sequence change replaces proline, which is neutral and non-polar, with threonine, which is neutral and polar, at codon 77 of the TNNT2 protein (p.Pro77Thr). This variant is not present in population databases (gnomAD no frequency). In summary, the available evidence is currently insufficient to determine the role of this variant in disease. Therefore, it has been classified as a Variant of Uncertain Significance. Algorithms developed to predict the effect of missense changes on protein structure and function are either unavailable or do not agree on the potential impact of this missense change (SIFT: "Deleterious"; PolyPhen-2: "Probably Damaging"; Align-GVGD: "Class C0"). ClinVar contains an entry for this variant (Variation ID: 181610). This variant has not been reported in the literature in individuals affected with TNNT2-related conditions.

GeneDx
Classification: Likely pathogenic. Last evaluated: 2014-09-02. Review status: criteria provided, single submitter. Criteria: GeneDx Variant Classification (06012015). Collection method: clinical testing. Allele origin: germline. Affected: yes.
Comment: p.P77T:CCC>ACC: c.229 C>A in exon 8 of the TNNT2 gene (NM_001001430.1) variant that is likely pathogenic was identified in the TNNT2 gene. It has not been published as a mutation, nor has it been reported as a benign polymorphism to our knowledge. The P77T variant was not observed in approximately 6,500 individuals of European and African American ancestry in the NHLBI Exome Sequencing Project, indicating it is not a common benign variant in these populations. The P77T variant is a non-conservative amino acid substitution, which is likely to impact secondary protein structure as these residues differ in polarity, charge, size and/or other properties. Additionally, this substitution occurs at a position that is conserved among mammals and in silico analysis predicts this variant is probably damaging to the protein structure/function. Furthermore, a missense mutation in the same residue (P77L) and multiple missense mutations in nearby residues (F70L, N73S, I79N, I79T, P80S, E83K, E83D, V85L, D86A) have been reported in association with hypertrophic or dilated cardiomyopathy, supporting the functional importance of this region of the protein. Therefore, this variant is a strong candidate for a pathogenic mutation, however the possibility that it is a benign variant cannot be excluded. Hereditary hypertrophic cardiomyopathy (HCM) is primarily an autosomal dominant disease characterized by myocardial hypertrophy in the absence of other cardiac or systemic causes. HCM is most frequently caused by mutations in genes coding for sarcomeric proteins in the cardiac muscle leading to myocyte disarray, a hallmark feature of HCM. Less commonly, ventricular hypertrophy is a presenting feature of genetic systemic disorders, such as Danon disease, Fabry disease, or mitochondrial cardiomyopathy. HCM has a variable clinical presentation; including palpitations, chest pain, heart failure, syncope, or sudden death, although some individuals may be asymptomatic (Marian A et al., 1995; Maron B, 2003). Mutations in the TNNT2 gene have been reported in 5-15% of patients with autosomal dominant familial hypertrophic cardiomyopathy, often characterized by minimal left ventricular hypertrophy (LVH) but a high incidence of sudden cardiac death (Moolman J et al., 1997; Cirino A et al., 2011). Mutations in TNNT2 have been reported less frequently in association with autosomal dominant familial dilated cardiomyopathy (Hershberger R et al., 2009). The variant is found in HCM panel(s).